The following is an entry in ClinVar:

ClinVar aggregate classification (germline): Benign (0 of 4 stars; one submission).

Conditions:
ZPBP-related disorder. Also called: ZPBP-related condition.

Allele frequency attached by ClinVar (database versions not stated): gnomAD exomes 0.00051; ExAC 0.00163; 1000 Genomes Project 0.00339; 1000 Genomes Project 30x 0.00344; ESP Exome Variant Server 0.00477; gnomAD 0.00494; TOPMed 0.00524.
gnomAD v4.1: 1,512 of 1,586,124 alleles (0.095%); highest among the groups gnomAD compares: African/African-American, 1.7%; 14 homozygotes.

Submission:

PreventionGenetics, part of Exact Sciences
Classification: Benign for ZPBP-related condition. Last evaluated: 2019-03-12. Review status: no assertion criteria provided. Collection method: clinical testing. Allele origin: germline.
Comment: This variant is classified as benign based on ACMG/AMP sequence variant interpretation guidelines (Richards et al. 2015 PMID: 25741868, with internal and published modifications).

NM_007009.3(ZPBP):c.707-7T>C

Gene: ZPBP (zona pellucida binding protein; minus strand). Cytogenetic location: 7p12.2.
Variant type: single nucleotide variant.
Coding change: c.707-7T>C on transcript NM_007009.3 (MANE Select); 7 bases into the intron before coding-DNA position 707, T replaced by C.
Molecular consequence: intron variant.
Genome position (GRCh38, 1-based): chr7:50,018,323, A>G on the plus strand (T>C on the coding strand, the complement: ZPBP is on the minus strand). VCF-style: chr7-50018323-A-G. GRCh37 (hg19) VCF-style: chr7-50057919-A-G.
Other names: c.704-7T>C (NM_001159878.2).
Identifiers: ClinVar variation 3043780 (VCV003043780.2), dbSNP rs139249676, ClinGen allele CA4260752.